The following is an entry in ClinVar:

NM_001111125.3(IQSEC2):c.2207G>T (p.Arg736Leu)

Gene: IQSEC2 (IQ motif and Sec7 domain ArfGEF 2; minus strand). Cytogenetic location: Xp11.22.
Variant type: single nucleotide variant.
Coding change: c.2207G>T on transcript NM_001111125.3 (MANE Select); coding-DNA position 2207, G replaced by T.
Protein change: p.Arg736Leu; replaces arginine 736 with leucine.
Molecular consequence: missense variant.
Genome position (GRCh38, 1-based): chrX:53,250,369, C>A on the plus strand (G>T on the coding strand, the complement: IQSEC2 is on the minus strand). VCF-style: chrX-53250369-C-A. GRCh37 (hg19) VCF-style: chrX-53279551-C-A.
Other names: c.2207G>T, p.Arg736Leu (NM_001410736.1); c.1592G>T, p.Arg531Leu (NM_015075.2); short protein forms R531L, R736L.
Identifiers: ClinVar variation 3680915 (VCV003680915.2).
Genomic context (GRCh38, chrX:53,250,369, plus strand): 5'-TGCCGCCTCTGGACCACATCATTGTTGAAAGCTGGCGAGTCCCAGCTATGCCTTGTCTCC[C>A]GCTGGTAAGTCTGCTTGCACAGGCCGGTAGCCGGAGGCTCCCTTAGACTGTCCCGAGAAG-3'
Protein context (NP_001104595.1, residues 726-746): ATGLCKQTYQ[Arg736Leu]ETRHSWDSPA

ClinVar aggregate classification (germline): Uncertain significance (1 of 4 stars; one submission).

Conditions:
Intellectual developmental disorder, X-linked 1. Also called: Atkin Flaitz Patil Smith syndrome; MENTAL RETARDATION, X-LINKED 18; MENTAL RETARDATION, X-LINKED 78; Intellectual disability, X-linked 1. Identifiers: Orphanet 777, MedGen C2931498, MONDO:0010656, OMIM 309530.

Submission:

Labcorp Genetics (formerly Invitae), Labcorp
Classification: Uncertain significance for Intellectual developmental disorder, X-linked 1. Last evaluated: 2024-09-08. Review status: criteria provided, single submitter. Criteria: Invitae Variant Classification Sherloc (09022015). Collection method: clinical testing. Allele origin: germline.
Comment: This sequence change replaces arginine, which is basic and polar, with leucine, which is neutral and non-polar, at codon 736 of the IQSEC2 protein (p.Arg736Leu). This variant is not present in population databases (gnomAD no frequency). This variant has not been reported in the literature in individuals affected with IQSEC2-related conditions. Invitae Evidence Modeling of protein sequence and biophysical properties (such as structural, functional, and spatial information, amino acid conservation, physicochemical variation, residue mobility, and thermodynamic stability) indicates that this missense variant is not expected to disrupt IQSEC2 protein function with a negative predictive value of 95%. In summary, the available evidence is currently insufficient to determine the role of this variant in disease. Therefore, it has been classified as a Variant of Uncertain Significance.